The following is an entry in ClinVar:

NM_002439.5(MSH3):c.1216C>T (p.Gln406Ter)

Gene: MSH3 (mutS homolog 3; plus strand). Cytogenetic location: 5q14.1.
Variant type: single nucleotide variant.
Coding change: c.1216C>T on transcript NM_002439.5 (MANE Select); coding-DNA position 1216, C replaced by T.
Protein change: p.Gln406Ter; replaces glutamine 406 with a stop codon.
Molecular consequence: nonsense.
Genome position (GRCh38, 1-based): chr5:80,678,969, C>T. VCF-style: chr5-80678969-C-T. GRCh37 (hg19) VCF-style: chr5-79974788-C-T.
Other names: short protein forms Q406*.
Identifiers: ClinVar variation 3222228 (VCV003222228.1), dbSNP rs2546726573, ClinGen allele CA360268904.

ClinVar aggregate classification (germline): Pathogenic (1 of 4 stars; one submission).

Conditions:
Hereditary cancer-predisposing syndrome. Also called: Tumor predisposition; Hereditary neoplastic syndrome; Hereditary Cancer Syndrome; Neoplastic Syndromes, Hereditary. Identifiers: Orphanet 140162, MedGen C0027672, MeSH D009386, MONDO:0015356.

Submission:

Ambry Genetics
Classification: Pathogenic for Hereditary cancer-predisposing syndrome. Last evaluated: 2023-10-24. Review status: criteria provided, single submitter. Criteria: Ambry Variant Classification Scheme 2023. Collection method: clinical testing. Allele origin: germline.
Comment: The p.Q406* variant (also known as c.1216C>T), located in coding exon 8 of the MSH3 gene, results from a C to T substitution at nucleotide position 1216. This changes the amino acid from a glutamine to a stop codon within coding exon 8. This variant is considered to be rare based on population cohorts in the Genome Aggregation Database (gnomAD). This alteration is expected to result in loss of function by premature protein truncation or nonsense-mediated mRNA decay. As such, this alteration is interpreted as a disease-causing mutation.